The following is an entry in ClinVar:

ClinVar aggregate classification (germline): Uncertain significance (1 of 4 stars; one submission).

Conditions:
Multiple endocrine neoplasia, type 2 (MEN2). Identifiers: Orphanet 653, MedGen C4048306, MONDO:0019003. Disease mechanism: gain of function.

Allele frequency attached by ClinVar (database versions not stated): gnomAD exomes below 0.00001; ExAC 0.00001.
gnomAD v4.1: 1 of 1,613,878 alleles (0.000062%); highest among the groups gnomAD compares: Non-Finnish European, 0.000085%; no homozygotes.

Submission:

Labcorp Genetics (formerly Invitae), Labcorp
Classification: Uncertain significance for Multiple endocrine neoplasia, type 2. Last evaluated: 2023-07-25. Review status: criteria provided, single submitter. Criteria: Invitae Variant Classification Sherloc (09022015). Collection method: clinical testing. Allele origin: germline.
Comment: This sequence change replaces aspartic acid, which is acidic and polar, with alanine, which is neutral and non-polar, at codon 380 of the RET protein (p.Asp380Ala). This variant is present in population databases (rs755400887, gnomAD 0.0009%). This variant has not been reported in the literature in individuals affected with RET-related conditions. ClinVar contains an entry for this variant (Variation ID: 652094). An algorithm developed to predict the effect of missense changes on protein structure and function (PolyPhen-2) suggests that this variant is likely to be tolerated. In summary, the available evidence is currently insufficient to determine the role of this variant in disease. Therefore, it has been classified as a Variant of Uncertain Significance.

NM_020975.6(RET):c.1139A>C (p.Asp380Ala)

Gene: RET (ret proto-oncogene; plus strand). Cytogenetic location: 10q11.21.
Variant type: single nucleotide variant.
Coding change: c.1139A>C on transcript NM_020975.6 (MANE Select); coding-DNA position 1139, A replaced by C.
Protein change: p.Asp380Ala; replaces aspartic acid 380 with alanine.
Molecular consequence: missense variant.
Genome position (GRCh38, 1-based): chr10:43,109,106, A>C. VCF-style: chr10-43109106-A-C. GRCh37 (hg19) VCF-style: chr10-43604554-A-C.
Other names: c.1139A>C, p.Asp380Ala (NM_000323.2, NM_001406743.1, NM_001406744.1 and 6 more transcripts); c.377A>C, p.Asp126Ala (NM_001355216.2); c.1010A>C, p.Asp337Ala (NM_001406761.1, NM_001406762.1, NM_001406764.1 and 1 more transcripts); c.851A>C, p.Asp284Ala (NM_001406766.1, NM_001406767.1, NM_001406770.1); c.701A>C, p.Asp234Ala (NM_001406771.1, NM_001406773.1); c.413A>C, p.Asp138Ala (NM_001406775.1, NM_001406776.1, NM_001406777.1 and 1 more transcripts); c.149A>C, p.Asp50Ala (NM_001406784.1); short protein forms D126A, D380A, D138A, D337A, D284A, D234A, D50A.
Identifiers: ClinVar variation 652094 (VCV000652094.11), dbSNP rs755400887, ClinGen allele CA031722.